The following is an entry in ClinVar:

NM_000260.4(MYO7A):c.6214G>A (p.Val2072Ile)

Gene: MYO7A (myosin VIIA; plus strand). Cytogenetic location: 11q13.5.
Variant type: single nucleotide variant.
Coding change: c.6214G>A on transcript NM_000260.4 (MANE Select); coding-DNA position 6214, G replaced by A.
Protein change: p.Val2072Ile; replaces valine 2072 with isoleucine.
Molecular consequence: missense variant.
Genome position (GRCh38, 1-based): chr11:77,211,314, G>A. VCF-style: chr11-77211314-G-A. GRCh37 (hg19) VCF-style: chr11-76922359-G-A.
Other names: c.6100G>A, p.Val2034Ile (NM_001127180.2); c.6067G>A, p.Val2023Ile (NM_001369365.1); short protein forms V2072I, V2023I, V2034I.
Identifiers: ClinVar variation 43322 (VCV000043322.27), dbSNP rs200313391, ClinGen allele CA132426.

ClinVar aggregate classification (germline): Conflicting classifications of pathogenicity. Review status: criteria provided, conflicting classifications (1 of 4 stars). 9 submissions from 7 submitters: Uncertain significance (2); Benign (2); Likely benign (5). Last evaluated 2026-01-14.

Conditions:
Usher syndrome type 1 (USH1). Also called: RETINITIS PIGMENTOSA AND CONGENITAL DEAFNESS. Identifiers: Orphanet 231169, Orphanet 886, MedGen C1568247, MONDO:0010168, OMIM 276900.
Autosomal dominant nonsyndromic hearing loss 11. Identifiers: Orphanet 90635, MedGen C1832475, MONDO:0011032, OMIM 601317.
Autosomal recessive nonsyndromic hearing loss 2. Also called: DEAFNESS, AUTOSOMAL RECESSIVE 2; NEUROSENSORY NONSYNDROMIC RECESSIVE DEAFNESS 2. Identifiers: Orphanet 90636, MedGen C1838701, MONDO:0010807, OMIM 600060.

Allele frequency attached by ClinVar (database versions not stated): gnomAD exomes 0.00017 and 0.00035; ExAC 0.00088; 1000 Genomes Project 0.00120; 1000 Genomes Project 30x 0.00125; gnomAD 0.00167 and 0.00181; ESP Exome Variant Server 0.00178; TOPMed 0.00201.
gnomAD v4.1: 522 of 1,583,600 alleles (0.033%); highest among the groups gnomAD compares: African/African-American, 0.64%; 2 homozygotes.

Submissions (9):

Labcorp Genetics (formerly Invitae), Labcorp
Classification: Likely benign. Last evaluated: 2026-01-14. Review status: criteria provided, single submitter. Criteria: Invitae Variant Classification Sherloc (09022015). Collection method: clinical testing. Allele origin: germline.

Blueprint Genetics
Classification: Likely benign. Last evaluated: 2024-11-01. Review status: criteria provided, single submitter. Criteria: ACMG Guidelines, 2015. Collection method: clinical testing. Allele origin: germline.

GeneDx
Classification: Likely benign. Last evaluated: 2021-06-04. Review status: criteria provided, single submitter. Criteria: GeneDx Variant Classification Process June 2021. Collection method: clinical testing. Allele origin: germline. Affected: yes.

Illumina Laboratory Services, Illumina
Classification: Uncertain significance for Autosomal recessive nonsyndromic hearing loss 2. Last evaluated: 2018-01-13. Review status: criteria provided, single submitter. Criteria: ICSL Variant Classification Criteria 13 December 2019. Collection method: clinical testing. Allele origin: germline.

Illumina Laboratory Services, Illumina
Classification: Benign for Autosomal dominant nonsyndromic hearing loss 11. Last evaluated: 2018-01-13. Review status: criteria provided, single submitter. Criteria: ICSL Variant Classification Criteria 13 December 2019. Collection method: clinical testing. Allele origin: germline.
Comment: This variant was observed in the ICSL laboratory as part of a predisposition screen in an ostensibly healthy population. It had not been previously curated by ICSL or reported in the Human Gene Mutation Database (HGMD: prior to June 1st, 2018), and was therefore a candidate for classification through an automated scoring system. Utilizing variant allele frequency, disease prevalence and penetrance estimates, and inheritance mode, an automated score was calculated to assess if this variant is too frequent to cause the disease. Based on the score and internal cut-off values, a variant classified as benign is not then subjected to further curation. The score for this variant resulted in a classification of benign for this disease.

Illumina Laboratory Services, Illumina
Classification: Uncertain significance for Usher syndrome type 1. Last evaluated: 2018-01-13. Review status: criteria provided, single submitter. Criteria: ICSL Variant Classification Criteria 13 December 2019. Collection method: clinical testing. Allele origin: germline.

Laboratory for Molecular Medicine, Mass General Brigham Personalized Medicine
Classification: Benign. Last evaluated: 2017-11-27. Review status: criteria provided, single submitter. Criteria: LMM Criteria. Collection method: clinical testing. Allele origin: germline. Observed: 3 variant alleles.
Comment: Val2072Ile in exon 45 of MYO7A: This variant is not expected to have clinical si gnificance because it has been identified in 0.5% (114/19526) of African chromos omes by the Genome Aggregation Database (gnomAD, g; dbSNP rs200313391).

Eurofins Ntd Llc (ga)
Classification: Likely benign. Last evaluated: 2017-09-05. Review status: criteria provided, single submitter. Criteria: EGL Classification Definitions 2015. Collection method: clinical testing. Allele origin: germline. Observed: 1 variant allele, 1 heterozygote.

Center for Pediatric Genomic Medicine, Children's Mercy Hospital and Clinics
Classification: Likely benign. Last evaluated: 2017-04-11. Review status: criteria provided, single submitter. Criteria: ACMG Guidelines, 2015. Collection method: clinical testing. Allele origin: germline.